The following is an entry in ClinVar:

NM_001013672.5(LIAT1):c.1041C>T (p.Pro347=)

Genes: LIAT1 (ligand of ATE1; plus strand), LOC105371430 (uncharacterized LOC105371430; minus strand). Cytogenetic location: 17p13.3.
Variant type: single nucleotide variant.
Coding change: c.1041C>T on transcript NM_001013672.5 (MANE Select); coding-DNA position 1041, C replaced by T.
Protein change: p.Pro347=; no amino-acid change (proline 347 retained).
Molecular consequence: synonymous variant.
Genome position (GRCh38, 1-based): chr17:413,884, C>T. VCF-style: chr17-413884-C-T. GRCh37 (hg19) VCF-style: chr17-263675-C-T.
Identifiers: ClinVar variation 3905076 (VCV003905076.10).
Genomic context (GRCh38, chr17:413,884, plus strand): 5'-CGACCCCAAGGCCCTCAAGGGCTTCCACCCCGACCCCGAGGCCCTCAAGGGCTTCCACCC[C>T]GACCCCGAGGCCCTCAAGGGCTTCCACCCCGACCCCGAGGCCCTCAAGGGCTTCCACACT-3'
Protein context (NP_001013694.4, residues 337-357): PDPEALKGFH[Pro347=]DPEALKGFHP

ClinVar aggregate classification (germline): Likely benign (1 of 4 stars; one submission).

gnomAD v4.1: 20 of 1,599,374 alleles (0.0013%); highest among the groups gnomAD compares: African/African-American, 0.018%; no homozygotes.

Submission:

CeGaT Center for Human Genetics Tuebingen
Classification: Likely benign. Last evaluated: 2025-05-01. Review status: criteria provided, single submitter. Criteria: CeGaT Center For Human Genetics Tuebingen Variant Classification Criteria Version 2. Collection method: clinical testing. Allele origin: germline. Affected: yes. Observed: 1 variant allele.
Comment: LIAT1: BP4, BP7